The following is an entry in ClinVar:

ClinVar aggregate classification (germline): Uncertain significance (1 of 4 stars; one submission).

Submission:

CeGaT Center for Human Genetics Tuebingen
Classification: Uncertain significance. Last evaluated: 2026-07-01. Review status: criteria provided, single submitter. Criteria: CeGaT Center For Human Genetics Tuebingen Variant Classification Criteria Version 2. Collection method: clinical testing. Allele origin: germline. Affected: yes. Observed: 1 variant allele.
Comment: MYO15A: PM2

NM_016239.4(MYO15A):c.8011A>G (p.Thr2671Ala)

Gene: MYO15A (myosin XVA; plus strand). Cytogenetic location: 17p11.2.
Variant type: single nucleotide variant.
Coding change: c.8011A>G on transcript NM_016239.4 (MANE Select); coding-DNA position 8011, A replaced by G.
Protein change: p.Thr2671Ala; replaces threonine 2671 with alanine.
Molecular consequence: missense variant.
Genome position (GRCh38, 1-based): chr17:18,153,819, A>G. VCF-style: chr17-18153819-A-G. GRCh37 (hg19) VCF-style: chr17-18057133-A-G.
Other names: short protein forms T2671A.
Identifiers: ClinVar variation 5039337 (VCV005039337.1).
Genomic context (GRCh38, chr17:18,153,819, plus strand): 5'-TCCCCGCGCTCTCCAGCTCTGCCCTCGCGATCGCTGGAGCCCCCTGAGGAACTCACGCAG[A>G]CGCGGCTGCACCGCCTCATCAATCCCAACTTCTACGGCTATCAGGACGCCCCCTGGAAGA-3'
Protein context (NP_057323.3, residues 2661-2681): SLEPPEELTQ[Thr2671Ala]RLHRLINPNF